The following is an entry in ClinVar:

ClinVar aggregate classification (germline): Uncertain significance (1 of 4 stars; one submission).

gnomAD v4.1: 15 of 1,614,004 alleles (0.00093%); highest among the groups gnomAD compares: Non-Finnish European, 0.0013%; no homozygotes.

Submission:

Labcorp Genetics (formerly Invitae), Labcorp
Classification: Uncertain significance. Last evaluated: 2025-08-02. Review status: criteria provided, single submitter. Criteria: Invitae Variant Classification Sherloc (09022015). Collection method: clinical testing. Allele origin: germline.
Comment: This sequence change replaces serine, which is neutral and polar, with leucine, which is neutral and non-polar, at codon 86 of the COCH protein (p.Ser86Leu). This variant is present in population databases (rs749386539, gnomAD 0.002%). This variant has not been reported in the literature in individuals affected with COCH-related conditions. Invitae Evidence Modeling of protein sequence and biophysical properties (such as structural, functional, and spatial information, amino acid conservation, physicochemical variation, residue mobility, and thermodynamic stability) indicates that this missense variant is not expected to disrupt COCH protein function with a negative predictive value of 95%. In summary, the available evidence is currently insufficient to determine the role of this variant in disease. Therefore, it has been classified as a Variant of Uncertain Significance.

NM_004086.3(COCH):c.257C>T (p.Ser86Leu)

Genes: COCH (cochlin; plus strand), COCH-AS1 (COCH antisense RNA 1; minus strand). Cytogenetic location: 14q12.
Variant type: single nucleotide variant.
Coding change: c.257C>T on transcript NM_004086.3 (MANE Select); coding-DNA position 257, C replaced by T.
Protein change: p.Ser86Leu; replaces serine 86 with leucine.
Molecular consequence: missense variant.
Genome position (GRCh38, 1-based): chr14:30,878,828, C>T. VCF-style: chr14-30878828-C-T. GRCh37 (hg19) VCF-style: chr14-31348034-C-T.
Other names: c.257C>T, p.Ser86Leu (NM_001135058.2); c.452C>T, p.Ser151Leu (NM_001347720.2); short protein forms S151L, S86L.
Identifiers: ClinVar variation 4692830 (VCV004692830.1).